The following is an entry in ClinVar:

NM_000722.4(CACNA2D1):c.3130C>G (p.Pro1044Ala)

Gene: CACNA2D1 (calcium voltage-gated channel auxiliary subunit alpha2delta 1; minus strand). Cytogenetic location: 7q21.11.
Variant type: single nucleotide variant.
Coding change: c.3130C>G on transcript NM_000722.4 (MANE Select); coding-DNA position 3130, C replaced by G.
Protein change: p.Pro1044Ala; replaces proline 1044 with alanine.
Molecular consequence: missense variant.
Genome position (GRCh38, 1-based): chr7:81,959,304, G>C on the plus strand (C>G on the coding strand, the complement: CACNA2D1 is on the minus strand). VCF-style: chr7-81959304-G-C. GRCh37 (hg19) VCF-style: chr7-81588620-G-C.
Other names: c.3166C>G, p.Pro1056Ala (NM_001366867.1); short protein forms P1044A, P1056A.
Identifiers: ClinVar variation 2657639 (VCV002657639.24), dbSNP rs1239458608, ClinGen allele CA367881060.

ClinVar aggregate classification (germline): Uncertain significance (1 of 4 stars; one submission).

Submission:

CeGaT Center for Human Genetics Tuebingen
Classification: Uncertain significance. Last evaluated: 2023-08-01. Review status: criteria provided, single submitter. Criteria: CeGaT Center For Human Genetics Tuebingen Variant Classification Criteria Version 2. Collection method: clinical testing. Allele origin: germline. Affected: yes. Observed: 1 variant allele.
Comment: CACNA2D1: PM2